The following is an entry in ClinVar:

NM_173076.3(ABCA12):c.4139A>G (p.Asn1380Ser)

Gene: ABCA12 (ATP binding cassette subfamily A member 12; minus strand). Cytogenetic location: 2q35.
Variant type: single nucleotide variant.
Coding change: c.4139A>G on transcript NM_173076.3 (MANE Select); coding-DNA position 4139, A replaced by G.
Protein change: p.Asn1380Ser; replaces asparagine 1380 with serine.
Molecular consequence: missense variant. On other transcripts: non-coding transcript variant (1).
Genome position (GRCh38, 1-based): chr2:214,986,566, T>C on the plus strand (A>G on the coding strand, the complement: ABCA12 is on the minus strand). VCF-style: chr2-214986566-T-C. GRCh37 (hg19) VCF-style: chr2-215851290-T-C.
Other names: c.3185A>G, p.Asn1062Ser (NM_015657.4); short protein forms N1380S, N1062S.
Identifiers: ClinVar variation 2855 (VCV000002855.17), dbSNP rs28940269, ClinGen allele CA252475.

ClinVar aggregate classification (germline): Pathogenic. Review status: criteria provided, multiple submitters, no conflicts (2 of 4 stars). 9 submissions from 9 submitters: Pathogenic (6). 3 of the submissions do not count toward it. Last evaluated 2025-12-24.

Conditions:
ABCA12-related disorder. Also called: ABCA12-related condition.
Autosomal recessive congenital ichthyosis 4B (ARCI4B). Also called: Harlequin Fetus; ICHTHYOSIS CONGENITA, HARLEQUIN FETUS TYPE; HARLEQUIN ICHTHYOSIS; Ichthyosis, congenital, autosomal recessive 4B (harlequin). Identifiers: Orphanet 457, MedGen C0598226, MONDO:0009443, OMIM 242500.
Autosomal recessive congenital ichthyosis 4A (LI2). Also called: ICHTHYOSIS CONGENITA IIB. Identifiers: Orphanet 313, MedGen C1832550, MONDO:0011026, OMIM 601277.

Allele frequency attached by ClinVar (database versions not stated): gnomAD 0.00004 and 0.00005; TOPMed 0.00004; gnomAD exomes 0.00005; ExAC 0.00007; 1000 Genomes Project 30x 0.00016; 1000 Genomes Project 0.00020.
gnomAD v4.1: 78 of 1,614,088 alleles (0.0048%); highest among the groups gnomAD compares: Admixed American, 0.0067%; no homozygotes.

Submissions (9):

Labcorp Genetics (formerly Invitae), Labcorp
Classification: Pathogenic. Last evaluated: 2025-12-24. Review status: criteria provided, single submitter. Criteria: Invitae Variant Classification Sherloc (09022015). Collection method: clinical testing. Allele origin: germline.
Comment: This sequence change replaces asparagine, which is neutral and polar, with serine, which is neutral and polar, at codon 1380 of the ABCA12 protein (p.Asn1380Ser). This variant is present in population databases (rs28940269, gnomAD 0.03%). This missense change has been observed in individual(s) with congenital ichthyosis (PMID: 12915478, 31168818, 32851342). In at least one individual the data is consistent with being in trans (on the opposite chromosome) from a pathogenic variant. ClinVar contains an entry for this variant (Variation ID: 2855). Invitae Evidence Modeling of protein sequence and biophysical properties (such as structural, functional, and spatial information, amino acid conservation, physicochemical variation, residue mobility, and thermodynamic stability) indicates that this missense variant is expected to disrupt ABCA12 protein function with a positive predictive value of 80%. For these reasons, this variant has been classified as Pathogenic.

PreventionGenetics, part of Exact Sciences
Classification: Pathogenic for ABCA12-related condition. Last evaluated: 2025-07-10. Review status: criteria provided, single submitter. Criteria: ACMG Guidelines, 2015. Collection method: clinical testing. Allele origin: germline.
Comment: The ABCA12 c.4139A>G variant is predicted to result in the amino acid substitution p.Asn1380Ser. This variant has been reported in the homozygous or compound heterozygous state in many individuals with lamellar ichthyosis, type 2 or congenital ichthyosis (see, for example, Lefevre et al. 2003. PubMed ID: 12915478; Hellström Pigg et al. 2016. PubMed ID: 27025581; Simpson et al. 2020. PubMed ID: 31168818; Table S1, Supsrisunjai et al. 2023. PubMed ID: 36262015). This variant is reported in 0.029% of alleles in individuals of Ashkenazi Jewish descent in gnomAD. This variant is interpreted as pathogenic.

Fulgent Genetics
Classification: Pathogenic for Autosomal recessive congenital ichthyosis 4B; Autosomal recessive congenital ichthyosis 4A. Last evaluated: 2024-06-19. Review status: criteria provided, single submitter. Criteria: ACMG Guidelines, 2015. Collection method: clinical testing. Allele origin: germline.

GeneDx
Classification: Pathogenic. Last evaluated: 2023-04-09. Review status: criteria provided, single submitter. Criteria: GeneDx Variant Classification Process June 2021. Collection method: clinical testing. Allele origin: germline. Affected: yes.
Comment: In silico analysis supports that this missense variant has a deleterious effect on protein structure/function; This variant is associated with the following publications: (PMID: 20672373, 29630152, 27025581, 29722424, 30530421, 10094194, 8845852, 21729033, 12915478, 31168818, 32851342, 30916489, 29887490, 32069299, 36980989)

3billion
Classification: Pathogenic for Autosomal recessive congenital ichthyosis 4A. Last evaluated: 2022-05-22. Review status: criteria provided, single submitter. Criteria: ACMG Guidelines, 2015. Collection method: clinical testing. Allele origin: germline. Affected: yes. Observed: 1 homozygote.
Comment: The variant is observed at an extremely low frequency in the gnomAD v2.1.1 dataset (total allele frequency: 0.005%). In silico tool predictions suggest damaging effect of the variant on gene or gene product (REVEL: 0.83; 3Cnet: 0.82). Same nucleotide change resulting in same amino acid change has been previously reported as pathogenic/likely pathogenic with strong evidence (ClinVar ID: VCV000002855). The variant has been observed in multiple (>3) similarly affected unrelated individuals (PMID:29722424, 30916489). The variant has been reported to be in trans with a pathogenic variant as either compound heterozygous or homozygous in at least 2 similarly affected unrelated individuals (PMID: 29722424, 29887490, 30916489). Therefore, this variant is classified as pathogenic according to the recommendation of ACMG/AMP guideline.

Victorian Clinical Genetics Services, Murdoch Childrens Research Institute
Classification: Pathogenic for Autosomal recessive congenital ichthyosis 4A. Last evaluated: 2022-02-02. Review status: criteria provided, single submitter. Criteria: ACMG Guidelines, 2015. Collection method: clinical testing. Allele origin: germline. Inheritance: Autosomal recessive inheritance. Affected: yes.
Comment: Based on the classification scheme VCGS_Germline_v1.3.4, this variant is classified as Pathogenic. Following criteria are met: 0102 - Loss of function is a known mechanism of disease in this gene and is associated with congenital ichthyosis 4A (MIM#601277) and congenital ichthyosis 4B (harlequin) (MIM#242500). (I) 0106 - This gene is associated with autosomal recessive disease. (I) 0200 - Variant is predicted to result in a missense amino acid change from asparagine to serine. (I) 0251 - This variant is heterozygous. (I) 0304 - Variant is present in gnomAD (v2) <0.01 for a recessive condition (14 heterozygotes, 0 homozygotes). (SP) 0501 - Missense variant consistently predicted to be damaging by multiple in silico tools or highly conserved with a major amino acid change. (SP) 0600 - Variant is located in the annotated ABC transporter 1 domain (Decipher). (I) 0801 - This variant has strong previous evidence of pathogenicity in unrelated individuals. This variant has been reported in compound heterozygous and homozygous states in multiple individuals with congenital ichthyosis (ClinVar, PMID: 30916489, 32851342). (SP) 1102 - Strong phenotype match for this individual. (SP) 1208 - Inheritance information for this variant is not currently available in this individual. (I) Legend: (SP) - Supporting pathogenic, (I) - Information, (SB) - Supporting benign

OMIM
Classification: Pathogenic for ICHTHYOSIS, CONGENITAL, AUTOSOMAL RECESSIVE 4A. Last evaluated: 2003-09-15. Review status: no assertion criteria provided. Collection method: literature only. Allele origin: germline. Not counted in ClinVar's aggregate classification.

Clinical Genetics DNA and cytogenetics Diagnostics Lab, Erasmus MC, Erasmus Medical Center
Classification: Likely pathogenic. Review status: no assertion criteria provided. Collection method: clinical testing. Allele origin: germline. Affected: yes. Study: VKGL Data-share Consensus. Not counted in ClinVar's aggregate classification.

Joint Genome Diagnostic Labs from Nijmegen and Maastricht, Radboudumc and MUMC+
Classification: Pathogenic. Review status: no assertion criteria provided. Collection method: clinical testing. Allele origin: germline. Affected: yes. Study: VKGL Data-share Consensus. Not counted in ClinVar's aggregate classification.

Literature cited by the submitters: PubMed 12915478 (cited by Labcorp Genetics (formerly Invitae), Labcorp and OMIM); PubMed 31168818 (cited by Labcorp Genetics (formerly Invitae), Labcorp); PubMed 32851342 (cited by Labcorp Genetics (formerly Invitae), Labcorp and Victorian Clinical Genetics Services, Murdoch Childrens Research Institute); PubMed 30916489 (cited by 3billion and Victorian Clinical Genetics Services, Murdoch Childrens Research Institute); PubMed 29887490 (cited by 3billion); PubMed 29722424 (cited by 3billion); PubMed 8845852 (cited by OMIM); PubMed 10094194 (cited by OMIM).